The following is an entry in ClinVar:

ClinVar aggregate classification (germline): Conflicting classifications of pathogenicity. Review status: criteria provided, conflicting classifications (1 of 4 stars). 6 submissions from 6 submitters: Uncertain significance (1); Likely benign (5). Last evaluated 2026-01-24.

Conditions:
POLD1-related polyposis and colorectal cancer syndrome (CRCS10). Also called: Colorectal cancer 10; Colorectal cancer, susceptibility to, 10; COLORECTAL CANCER, SUSCEPTIBILITY TO, ON CHROMOSOME 19q. Identifiers: Orphanet 220460, MedGen C2675481, MONDO:0012953, OMIM 612591.
Immunodeficiency 120. Identifiers: MedGen C5935622, MONDO:0970994, OMIM 620836.
Mandibular hypoplasia-deafness-progeroid syndrome. Also called: Mandibular hypoplasia, deafness, progeroid features, and lipodystrophy syndrome. Identifiers: Orphanet 363649, MedGen C3715192, MONDO:0014157, OMIM 615381.
Hereditary cancer-predisposing syndrome. Also called: Neoplastic Syndromes, Hereditary; Hereditary neoplastic syndrome; Tumor predisposition; Hereditary Cancer Syndrome. Identifiers: Orphanet 140162, MedGen C0027672, MeSH D009386, MONDO:0015356.

Allele frequency attached by ClinVar (database versions not stated): gnomAD exomes below 0.00001 and 0.00001; ExAC 0.00002.
gnomAD v4.1: 9 of 1,614,132 alleles (0.00056%); highest among the groups gnomAD compares: South Asian, 0.0011%; 1 homozygote.

Submissions (6):

Labcorp Genetics (formerly Invitae), Labcorp
Classification: Likely benign for POLD1-related polyposis and colorectal cancer syndrome. Last evaluated: 2026-01-24. Review status: criteria provided, single submitter. Criteria: Invitae Variant Classification Sherloc (09022015). Collection method: clinical testing. Allele origin: germline.

Department of Pathology and Laboratory Medicine, Sinai Health System
Classification: Likely benign for POLD1-related polyposis and colorectal cancer syndrome; Mandibular hypoplasia-deafness-progeroid syndrome; Immunodeficiency 120. Last evaluated: 2023-03-15. Review status: criteria provided, single submitter. Criteria: ACMG Guidelines, 2015. Collection method: clinical testing. Allele origin: germline. Affected: yes.

Blueprint Genetics
Classification: Likely benign. Last evaluated: 2022-10-31. Review status: criteria provided, single submitter. Criteria: ACMG Guidelines, 2015. Collection method: clinical testing. Allele origin: germline.

Ambry Genetics
Classification: Likely benign for Hereditary cancer-predisposing syndrome. Last evaluated: 2018-05-29. Review status: criteria provided, single submitter. Criteria: Ambry Variant Classification Scheme 2023. Collection method: clinical testing. Allele origin: germline.

GeneDx
Classification: Likely benign. Last evaluated: 2016-10-10. Review status: criteria provided, single submitter. Criteria: GeneDx Variant Classification (06012015). Collection method: clinical testing. Allele origin: germline. Affected: yes.
Comment: This variant is considered likely benign or benign based on one or more of the following criteria: it is a conservative change, it occurs at a poorly conserved position in the protein, it is predicted to be benign by multiple in silico algorithms, and/or has population frequency not consistent with disease.

CeGaT Center for Human Genetics Tuebingen
Classification: Uncertain significance. Last evaluated: 2016-06-01. Review status: criteria provided, single submitter. Criteria: CeGaT Center For Human Genetics Tuebingen Variant Classification Criteria Version 2. Collection method: clinical testing. Allele origin: germline. Affected: yes. Observed: 1 variant allele.

NM_002691.4(POLD1):c.273A>G (p.Thr91=)

Gene: POLD1 (DNA polymerase delta 1, catalytic subunit; plus strand). Cytogenetic location: 19q13.33.
Variant type: single nucleotide variant.
Coding change: c.273A>G on transcript NM_002691.4 (MANE Select); coding-DNA position 273, A replaced by G.
Protein change: p.Thr91=; no amino-acid change (threonine 91 retained).
Molecular consequence: synonymous variant. On other transcripts: non-coding transcript variant (1).
Genome position (GRCh38, 1-based): chr19:50,399,441, A>G. VCF-style: chr19-50399441-A-G. GRCh37 (hg19) VCF-style: chr19-50902698-A-G.
Other names: c.273A>G, p.Thr91= (NM_001256849.1, NM_001308632.1).
Identifiers: ClinVar variation 389988 (VCV000389988.58), dbSNP rs745850676, ClinGen allele CA9595669.